The following is an entry in ClinVar:

NM_153816.6(SNX14):c.838C>T (p.Leu280Phe)

Gene: SNX14 (sorting nexin 14; minus strand). Cytogenetic location: 6q14.3.
Variant type: single nucleotide variant.
Coding change: c.838C>T on transcript NM_153816.6 (MANE Select); coding-DNA position 838, C replaced by T.
Protein change: p.Leu280Phe; replaces leucine 280 with phenylalanine.
Molecular consequence: missense variant. On other transcripts: 5 prime UTR variant (7), non-coding transcript variant (6).
Genome position (GRCh38, 1-based): chr6:85,548,330, G>A on the plus strand (C>T on the coding strand, the complement: SNX14 is on the minus strand). VCF-style: chr6-85548330-G-A. GRCh37 (hg19) VCF-style: chr6-86258048-G-A.
Other names: c.394C>T, p.Leu132Phe (NM_001350546.2, NM_001350545.2); c.-213C>T (NM_001350547.2); c.-314C>T (NM_001350548.2, NM_001350549.2, NM_001350550.2 and 2 more transcripts); c.-346C>T (NM_001350552.2); c.706C>T, p.Leu236Phe (NM_020468.6, NM_001350536.2); c.838C>T, p.Leu280Phe (NM_001297614.3, NM_001350540.2, NM_001350541.2); c.682C>T, p.Leu228Phe (NM_001304479.2); c.901C>T, p.Leu301Phe (NM_001350532.2); and 7 more; short protein forms L232F, L236F, L227F, L235F, L280F, L301F, L132F, L184F.
Identifiers: ClinVar variation 2092794 (VCV002092794.4), dbSNP rs2536040354, ClinGen allele CA364897344.

ClinVar aggregate classification (germline): Uncertain significance (1 of 4 stars; one submission).

Submission:

Labcorp Genetics (formerly Invitae), Labcorp
Classification: Uncertain significance. Last evaluated: 2022-02-11. Review status: criteria provided, single submitter. Criteria: Invitae Variant Classification Sherloc (09022015). Collection method: clinical testing. Allele origin: germline.
Comment: This sequence change replaces leucine, which is neutral and non-polar, with phenylalanine, which is neutral and non-polar, at codon 280 of the SNX14 protein (p.Leu280Phe). This variant is not present in population databases (gnomAD no frequency). This variant has not been reported in the literature in individuals affected with SNX14-related conditions. Algorithms developed to predict the effect of missense changes on protein structure and function are either unavailable or do not agree on the potential impact of this missense change (SIFT: "Deleterious"; PolyPhen-2: "Probably Damaging"; Align-GVGD: "Class C15"). In summary, the available evidence is currently insufficient to determine the role of this variant in disease. Therefore, it has been classified as a Variant of Uncertain Significance.